The following is an entry in ClinVar:

NM_002426.6(MMP12):c.897T>C (p.Phe299=)

Gene: MMP12 (matrix metallopeptidase 12; minus strand). Cytogenetic location: 11q22.2.
Variant type: single nucleotide variant.
Coding change: c.897T>C on transcript NM_002426.6 (MANE Select); coding-DNA position 897, T replaced by C.
Protein change: p.Phe299=; no amino-acid change (phenylalanine 299 retained).
Molecular consequence: synonymous variant.
Genome position (GRCh38, 1-based): chr11:102,867,284, A>G on the plus strand (T>C on the coding strand, the complement: MMP12 is on the minus strand). VCF-style: chr11-102867284-A-G. GRCh37 (hg19) VCF-style: chr11-102738015-A-G.
Identifiers: ClinVar variation 2642325 (VCV002642325.24), dbSNP rs201781425, ClinGen allele CA6251438.

ClinVar aggregate classification (germline): Likely benign (1 of 4 stars; one submission).

Allele frequency attached by ClinVar (database versions not stated): TOPMed 0.00008; gnomAD 0.00011; gnomAD exomes 0.00011; ExAC 0.00013; ESP Exome Variant Server 0.00025.
gnomAD v4.1: 166 of 1,599,598 alleles (0.01%); highest among the groups gnomAD compares: Non-Finnish European, 0.013%; no homozygotes.

Submission:

CeGaT Center for Human Genetics Tuebingen
Classification: Likely benign. Last evaluated: 2022-06-01. Review status: criteria provided, single submitter. Criteria: CeGaT Center For Human Genetics Tuebingen Variant Classification Criteria Version 2. Collection method: clinical testing. Allele origin: germline. Affected: yes. Observed: 1 variant allele.
Comment: MMP12: BP4, BP7